The following is an entry in ClinVar:

ClinVar aggregate classification (germline): Conflicting classifications of pathogenicity. Review status: criteria provided, conflicting classifications (1 of 4 stars). 2 submissions from 2 submitters: Uncertain significance (1); Benign (1). Last evaluated 2020-11-10.

Conditions:
Maturity-onset diabetes of the young (MODY). Also called: Maturity onset diabetes mellitus in young. Identifiers: Orphanet 552, MedGen C0342276, MONDO:0018911, HP:0004904.

Allele frequency attached by ClinVar (database versions not stated): gnomAD 0.00001; TOPMed 0.00004.
gnomAD v4.1: 4 of 1,608,828 alleles (0.00025%); highest among the groups gnomAD compares: African/African-American, 0.004%; no homozygotes.

Submissions (2):

Women's Health and Genetics/Laboratory Corporation of America, LabCorp
Classification: Uncertain significance. Last evaluated: 2020-11-10. Review status: criteria provided, single submitter. Criteria: LabCorp Variant Classification Summary - May 2015. Collection method: clinical testing. Allele origin: germline.
Comment: Variant summary: HNF4A c.49+13G>A alters a non-conserved nucleotide located close to a canonical splice site and therefore could affect mRNA splicing, leading to a significantly altered protein sequence. 4/4 computational tools predict no significant impact on normal splicing. However, these predictions have yet to be confirmed by functional studies. The variant allele was found at a frequency of 4.1e-06 in 246082 control chromosomes (gnomAD). The available data on variant occurrences in the general population are insufficient to allow any conclusion about variant significance. To our knowledge, no occurrence of c.49+13G>A in individuals affected with Maturity Onset Diabetes of The Young 1/Neonatal Diabetes Mellitus and no experimental evidence demonstrating its impact on protein function have been reported. No clinical diagnostic laboratories have submitted clinical-significance assessments for this variant to ClinVar after 2014. Based on the evidence outlined above, the variant was classified as uncertain significance.

Clinical Genomics, Uppaluri K&H Personalized Medicine Clinic
Classification: Benign for Maturity-onset diabetes of the young. Review status: criteria provided, single submitter. Criteria: K & H Uppaluri Personalized Medicine Clinic Variant Classification & Assertion Criteria_Updated V.1. Collection method: research. Allele origin: unknown. Inheritance: Autosomal dominant inheritance.
Comment: Potent mutations in HNF4A are associated with poor insulin secretion in response to hyperglycemia. Associated with MODY1. Patients initially respond well to sulfonylureas but eventually become insulin dependent. However, more evidence is required to ascertain the role of this particular variant rs759324522 in MODY, yet.

Literature cited by the submitters: DOI 10.1159/000334532 (cited by Clinical Genomics, Uppaluri K&H Personalized Medicine Clinic); PubMed 18268044 (cited by Clinical Genomics, Uppaluri K&H Personalized Medicine Clinic); PubMed 17563455 (cited by Clinical Genomics, Uppaluri K&H Personalized Medicine Clinic); PubMed 32583173 (cited by Clinical Genomics, Uppaluri K&H Personalized Medicine Clinic); PubMed 35052457 (cited by Clinical Genomics, Uppaluri K&H Personalized Medicine Clinic); PubMed 35118593 (cited by Clinical Genomics, Uppaluri K&H Personalized Medicine Clinic).

NM_175914.5(HNF4A):c.49+13G>A

Gene: HNF4A (hepatocyte nuclear factor 4 alpha; plus strand). Cytogenetic location: 20q13.12.
Variant type: single nucleotide variant.
Coding change: c.49+13G>A on transcript NM_175914.5 (MANE Select); 13 bases into the intron after coding-DNA position 49, G replaced by A.
Molecular consequence: intron variant.
Genome position (GRCh38, 1-based): chr20:44,355,866, G>A. VCF-style: chr20-44355866-G-A. GRCh37 (hg19) VCF-style: chr20-42984506-G-A.
Other names: c.-183+13G>A (NM_001287182.2, NM_001287183.2, NM_001287184.2); c.49+13G>A (NM_001030003.3, NM_001030004.3).
Identifiers: ClinVar variation 987820 (VCV000987820.2), dbSNP rs759324522, ClinGen allele CA315390744.
Genomic context (GRCh38, chr20:44,355,866, plus strand): 5'-TGGTCAGCGTGAACGCGCCCCTCGGGGCTCCAGTGGAGAGTTCTTACGGTAAGTGGGGCT[G>A]GGGGAAGACTGGACAGGGCGGGACTGCGGTCAGCTTTGGGAGGCCATGGGACACCTCCCC-3'